The following is an entry in ClinVar:

ClinVar aggregate classification (germline): Uncertain significance (1 of 4 stars; one submission).

Conditions:
Charcot-Marie-Tooth disease axonal type 2O. Also called: CHARCOT-MARIE-TOOTH NEUROPATHY, AXONAL, TYPE 2O; CHARCOT-MARIE-TOOTH DISEASE, AXONAL, AUTOSOMAL DOMINANT, TYPE 2O; Charcot-Marie-Tooth Neuropathy Type 2O; Charcot-Marie-Tooth disease, axonal, type 20. Identifiers: Orphanet 284232, MedGen C3280220, MONDO:0013644, OMIM 614228.

Allele frequency attached by ClinVar (database versions not stated): gnomAD exomes below 0.00001.

Submission:

Labcorp Genetics (formerly Invitae), Labcorp
Classification: Uncertain significance for Charcot-Marie-Tooth disease axonal type 2O. Last evaluated: 2022-03-19. Review status: criteria provided, single submitter. Criteria: Invitae Variant Classification Sherloc (09022015). Collection method: clinical testing. Allele origin: germline.
Comment: In summary, the available evidence is currently insufficient to determine the role of this variant in disease. Therefore, it has been classified as a Variant of Uncertain Significance. Advanced modeling of protein sequence and biophysical properties (such as structural, functional, and spatial information, amino acid conservation, physicochemical variation, residue mobility, and thermodynamic stability) performed at Invitae indicates that this missense variant is not expected to disrupt DYNC1H1 protein function. ClinVar contains an entry for this variant (Variation ID: 1063908). This variant has not been reported in the literature in individuals affected with DYNC1H1-related conditions. This variant is not present in population databases (gnomAD no frequency). This sequence change replaces alanine, which is neutral and non-polar, with threonine, which is neutral and polar, at codon 267 of the DYNC1H1 protein (p.Ala267Thr).

NM_001376.5(DYNC1H1):c.799G>A (p.Ala267Thr)

Gene: DYNC1H1 (dynein cytoplasmic 1 heavy chain 1; plus strand). Cytogenetic location: 14q32.31.
Variant type: single nucleotide variant.
Coding change: c.799G>A on transcript NM_001376.5 (MANE Select); coding-DNA position 799, G replaced by A.
Protein change: p.Ala267Thr; replaces alanine 267 with threonine.
Molecular consequence: missense variant.
Genome position (GRCh38, 1-based): chr14:101,980,388, G>A. VCF-style: chr14-101980388-G-A. GRCh37 (hg19) VCF-style: chr14-102446725-G-A.
Other names: short protein forms A267T.
Identifiers: ClinVar variation 1063908 (VCV001063908.9), dbSNP rs2141270143, ClinGen allele CA391009559.